The following is an entry in ClinVar:

NM_001009944.3(PKD1):c.11746G>T (p.Val3916Leu)

Gene: PKD1 (polycystin 1, transient receptor potential channel interacting; minus strand). Cytogenetic location: 16p13.3.
Variant type: single nucleotide variant.
Coding change: c.11746G>T on transcript NM_001009944.3 (MANE Select); coding-DNA position 11746, G replaced by T.
Protein change: p.Val3916Leu; replaces valine 3916 with leucine.
Molecular consequence: missense variant.
Genome position (GRCh38, 1-based): chr16:2,091,141, C>A on the plus strand (G>T on the coding strand, the complement: PKD1 is on the minus strand). VCF-style: chr16-2091141-C-A. GRCh37 (hg19) VCF-style: chr16-2141142-C-A.
Other names: c.11743G>T, p.Val3915Leu (NM_000296.4); short protein forms V3915L, V3916L.
Identifiers: ClinVar variation 3773787 (VCV003773787.1).
Genomic context (GRCh38, chr16:2,091,141, plus strand): 5'-AGGCTCCGAGCCGCAGCACGCGCCAGCGCCCTTCCCTGTGCCAAGTACGGGCCTCGGCCA[C>A]GGCGAAGTGCACGGCGAACAGCAGCAGGCACACCTGTGGGGGGCGCGGTCAGGAGGGCGG-3'
Protein context (NP_001009944.3, residues 3906-3926): CLLLFAVHFA[Val3916Leu]AEARTWHREG

ClinVar aggregate classification (germline): Uncertain significance (1 of 4 stars; one submission).

Conditions:
Autosomal dominant polycystic kidney disease. Identifiers: Orphanet 730, MedGen C0085413, MONDO:0004691.

Submission:

Molecular Genetics, Royal Melbourne Hospital
Classification: Uncertain significance for Autosomal dominant polycystic kidney disease. Last evaluated: 2024-05-02. Review status: criteria provided, single submitter. Criteria: ACMG Guidelines, 2015. Collection method: clinical testing. Allele origin: germline. Inheritance: Autosomal dominant inheritance. Affected: yes.
Comment: This sequence change in PKD1 is predicted to replace valine with leucine at codon 3916, p.(Val3916Leu). The valine residue is weakly conserved (100 vertebrates, Multiz Alignments), and is located in the polycystic cation channel. There is a small physicochemical difference between valine and leucine. This variant is absent from the population database gnomAD v4.0. To our knowledge, this variant is novel and has not been previously reported in the relevant scientific literature or databases. Computational evidence predicts a benign effect for the missense substitution (REVEL = 0.065). Based on the classification scheme RMH Modified ACMG/AMP Guidelines v1.6.1, this variant is classified as a VARIANT OF UNCERTAIN SIGNIFICANCE. Following criteria are met: PM2_Supporting, BP4